The following is an entry in ClinVar:

ClinVar aggregate classification (germline): Conflicting classifications of pathogenicity. Review status: criteria provided, conflicting classifications (1 of 4 stars). 3 submissions from 3 submitters: Uncertain significance (2); Likely benign (1). Last evaluated 2025-03-11.

Conditions:
Pheochromocytoma/paraganglioma syndrome 5. Also called: Paragangliomas 5; SDHA-Related Hereditary Paraganglioma-Pheochromocytoma Syndrome. Identifiers: Orphanet 29072, MedGen C3279992, MONDO:0013602, OMIM 614165.
Mitochondrial complex II deficiency, nuclear type 1. Also called: SUCCINATE CoQ REDUCTASE DEFICIENCY. Identifiers: Orphanet 3208, MedGen C5700310, MONDO:0100294, OMIM 252011.
Hereditary cancer-predisposing syndrome. Also called: Hereditary Cancer Syndrome; Neoplastic Syndromes, Hereditary; Tumor predisposition; Hereditary neoplastic syndrome. Identifiers: Orphanet 140162, MedGen C0027672, MeSH D009386, MONDO:0015356.

Submissions (3):

Myriad Genetics, Inc.
Classification: Likely benign for Pheochromocytoma/paraganglioma syndrome 5. Last evaluated: 2025-03-11. Review status: criteria provided, single submitter. Criteria: Myriad Autosomal Dominant, Autosomal Recessive and X-Linked Classification Criteria (2023). Collection method: clinical testing. Allele origin: unknown.
Comment: This variant is considered likely benign. This variant has been observed at a population frequency that is significantly greater than expected given the associated disease prevalence and penetrance.

Ambry Genetics
Classification: Uncertain significance for Hereditary cancer-predisposing syndrome. Last evaluated: 2024-04-05. Review status: criteria provided, single submitter. Criteria: Ambry Variant Classification Scheme 2023. Collection method: clinical testing. Allele origin: germline.
Comment: The c.1751_1752delCAinsTG variant (also known as p.A584V), located in coding exon 13 of the SDHA gene, results from an in-frame deletion of CA and insertion of TG at nucleotide positions 1751 to 1752. This results in the substitution of the alanine residue for a valine residue at codon 584, an amino acid with similar properties. This amino acid position is well conserved in available vertebrate species. In addition, this alteration is predicted to be neutral by in silico analysis (Choi Y et al. PLoS ONE. 2012; 7(10):e46688). Based on the available evidence, the clinical significance of this variant remains unclear.

Labcorp Genetics (formerly Invitae), Labcorp
Classification: Uncertain significance for Pheochromocytoma/paraganglioma syndrome 5; Mitochondrial complex II deficiency, nuclear type 1. Last evaluated: 2023-05-05. Review status: criteria provided, single submitter. Criteria: Invitae Variant Classification Sherloc (09022015). Collection method: clinical testing. Allele origin: germline.
Comment: Information on the frequency of this variant in the gnomAD database is not available, as this variant may be reported differently in the database. In summary, the available evidence is currently insufficient to determine the role of this variant in disease. Therefore, it has been classified as a Variant of Uncertain Significance. An algorithm developed to predict the effect of missense changes on protein structure and function (PolyPhen-2) suggests that this variant is likely to be tolerated. ClinVar contains an entry for this variant (Variation ID: 964987). This variant has not been reported in the literature in individuals affected with SDHA-related conditions. This sequence change replaces alanine, which is neutral and non-polar, with valine, which is neutral and non-polar, at codon 584 of the SDHA protein (p.Ala584Val).

NM_004168.4(SDHA):c.1751_1752inv (p.Ala584Val)

Gene: SDHA (succinate dehydrogenase complex flavoprotein subunit A; plus strand). Cytogenetic location: 5p15.33.
Variant type: Inversion.
Coding change: c.1751_1752inv on transcript NM_004168.4 (MANE Select).
Protein change: p.Ala584Val; replaces alanine 584 with valine.
Molecular consequence: missense variant. On other transcripts: intron variant (1).
Genome position: GRCh38 VCF-style: chr5-251425-CA-TG. GRCh37 (hg19) VCF-style: chr5-251540-CA-TG.
Other names: c.1751_1752delCAinsTG (NM_004168.2); c.1607_1608inv, p.Ala536Val (NM_001294332.2); c.1552-2968_1552-2967inv (NM_001330758.2); short protein forms A536V, A584V.
Identifiers: ClinVar variation 964987 (VCV000964987.12), ClinGen allele CA1139658732.
Genomic context (GRCh38, chr5:251,425, plus strand): 5'-AGACCCTGGAGCTGCAGAACCTGATGCTGTGTGCGCTGCAGACCATCTACGGAGCAGAGG[CA>TG]CGGAAGGAGTCACGGGGCGCGCATGCCAGGGAAGACTACAAGGTGGGCCTTCTCACCACG-3'
Protein context (NP_004159.2, residues 574-594): CALQTIYGAE[Ala584Val]RKESRGAHAR